The following is an entry in ClinVar:

ClinVar aggregate classification (germline): Uncertain significance (1 of 4 stars; one submission).

Allele frequency attached by ClinVar (database versions not stated): gnomAD exomes 0.00001; gnomAD 0.00001; TOPMed 0.00004.
gnomAD v4.1: 9 of 1,614,038 alleles (0.00056%); highest among the groups gnomAD compares: East Asian, 0.0067%; no homozygotes.

Submission:

Labcorp Genetics (formerly Invitae), Labcorp
Classification: Uncertain significance. Last evaluated: 2024-12-16. Review status: criteria provided, single submitter. Criteria: Invitae Variant Classification Sherloc (09022015). Collection method: clinical testing. Allele origin: germline.
Comment: This sequence change replaces methionine, which is neutral and non-polar, with lysine, which is basic and polar, at codon 834 of the NBAS protein (p.Met834Lys). This variant is present in population databases (no rsID available, gnomAD 0.01%). This variant has not been reported in the literature in individuals affected with NBAS-related conditions. ClinVar contains an entry for this variant (Variation ID: 1390702). Invitae Evidence Modeling of protein sequence and biophysical properties (such as structural, functional, and spatial information, amino acid conservation, physicochemical variation, residue mobility, and thermodynamic stability) indicates that this missense variant is not expected to disrupt NBAS protein function with a negative predictive value of 95%. In summary, the available evidence is currently insufficient to determine the role of this variant in disease. Therefore, it has been classified as a Variant of Uncertain Significance.

NM_015909.4(NBAS):c.2501T>A (p.Met834Lys)

Gene: NBAS (NBAS subunit of NRZ tethering complex; minus strand). Cytogenetic location: 2p24.3.
Variant type: single nucleotide variant.
Coding change: c.2501T>A on transcript NM_015909.4 (MANE Select); coding-DNA position 2501, T replaced by A.
Protein change: p.Met834Lys; replaces methionine 834 with lysine.
Molecular consequence: missense variant. On other transcripts: non-coding transcript variant (1).
Genome position (GRCh38, 1-based): chr2:15,424,391, A>T on the plus strand (T>A on the coding strand, the complement: NBAS is on the minus strand). VCF-style: chr2-15424391-A-T. GRCh37 (hg19) VCF-style: chr2-15564515-A-T.
Other names: short protein forms M834K.
Identifiers: ClinVar variation 1390702 (VCV001390702.5), dbSNP rs1396396580, ClinGen allele CA345889899.